The following is an entry in ClinVar:

ClinVar aggregate classification (germline): Uncertain significance (1 of 4 stars; one submission).

Conditions:
COG1 congenital disorder of glycosylation (CDG2G). Also called: CONGENITAL DISORDER OF GLYCOSYLATION, TYPE IIg; CDG IIg; CDGII/COG1 CEREBROCOSTOMANDIBULAR-LIKE SYNDROME. Identifiers: Orphanet 263508, MedGen C2931011, MONDO:0012637, OMIM 611209.

Allele frequency attached by ClinVar (database versions not stated): ExAC 0.00002; gnomAD 0.00002; TOPMed 0.00002; ESP Exome Variant Server 0.00008.
gnomAD v4.1: 20 of 1,613,860 alleles (0.0012%); highest among the groups gnomAD compares: Admixed American, 0.017%; no homozygotes.

Submission:

Labcorp Genetics (formerly Invitae), Labcorp
Classification: Uncertain significance for COG1 congenital disorder of glycosylation. Last evaluated: 2022-08-08. Review status: criteria provided, single submitter. Criteria: Invitae Variant Classification Sherloc (09022015). Collection method: clinical testing. Allele origin: germline.
Comment: This sequence change affects codon 305 of the COG1 mRNA. It is a 'silent' change, meaning that it does not change the encoded amino acid sequence of the COG1 protein. This variant also falls at the last nucleotide of exon 4, which is part of the consensus splice site for this exon. This variant is present in population databases (rs374160707, gnomAD 0.02%). This variant has not been reported in the literature in individuals affected with COG1-related conditions. Algorithms developed to predict the effect of missense changes on protein structure and function output the following: SIFT: "Tolerated"; PolyPhen-2: "Possibly Damaging"; Align-GVGD: "Class C0". The arginine amino acid residue is found in multiple mammalian species, which suggests that this missense change does not adversely affect protein function. Variants that disrupt the consensus splice site are a relatively common cause of aberrant splicing (PMID: 17576681, 9536098). Algorithms developed to predict the effect of sequence changes on RNA splicing suggest that this variant may disrupt the consensus splice site. In summary, the available evidence is currently insufficient to determine the role of this variant in disease. Therefore, it has been classified as a Variant of Uncertain Significance.

Literature cited by the submitters: PubMed 17576681; PubMed 9536098.

NM_018714.3(COG1):c.913G>A (p.Gly305Arg)

Gene: COG1 (component of oligomeric golgi complex 1; plus strand). Cytogenetic location: 17q25.1.
Variant type: single nucleotide variant.
Coding change: c.913G>A on transcript NM_018714.3 (MANE Select); coding-DNA position 913, G replaced by A.
Protein change: p.Gly305Arg; replaces glycine 305 with arginine.
Molecular consequence: missense variant.
Genome position (GRCh38, 1-based): chr17:73,197,396, G>A. VCF-style: chr17-73197396-G-A. GRCh37 (hg19) VCF-style: chr17-71193535-G-A.
Other names: short protein forms G305R.
Identifiers: ClinVar variation 2191267 (VCV002191267.1), dbSNP rs374160707, ClinGen allele CA8740085.